The following is an entry in ClinVar:

ClinVar aggregate classification (germline): Uncertain significance. Review status: criteria provided, multiple submitters, no conflicts (2 of 4 stars). 2 submissions from 2 submitters: Uncertain significance (2). Last evaluated 2025-06-25.

Conditions:
Fanconi anemia (FA). Also called: Fanconi's anemia. Identifiers: Orphanet 84, MedGen C0015625, MeSH D005199, MONDO:0019391.
Fanconi anemia complementation group P. Also called: SLX4-Related Fanconi Anemia. Identifiers: Orphanet 84, MedGen C3469542, MONDO:0013499, OMIM 613951.

Allele frequency attached by ClinVar (database versions not stated): gnomAD 0.00005; ExAC 0.00006; gnomAD exomes 0.00003 and 0.00004; TOPMed 0.00004.
gnomAD v4.1: 70 of 1,614,110 alleles (0.0043%); highest among the groups gnomAD compares: Non-Finnish European, 0.0056%; no homozygotes.

Submissions (2):

Labcorp Genetics (formerly Invitae), Labcorp
Classification: Uncertain significance for Fanconi anemia. Last evaluated: 2025-06-25. Review status: criteria provided, single submitter. Criteria: Invitae Variant Classification Sherloc (09022015). Collection method: clinical testing. Allele origin: germline.
Comment: This sequence change replaces arginine, which is basic and polar, with glycine, which is neutral and non-polar, at codon 1137 of the SLX4 protein (p.Arg1137Gly). This variant is present in population databases (rs761238767, gnomAD 0.009%). This variant has not been reported in the literature in individuals affected with SLX4-related conditions. ClinVar contains an entry for this variant (Variation ID: 1524216). An algorithm developed to predict the effect of missense changes on protein structure and function outputs the following: PolyPhen-2: "Benign". The glycine amino acid residue is found in multiple mammalian species, which suggests that this missense change does not adversely affect protein function. In summary, the available evidence is currently insufficient to determine the role of this variant in disease. Therefore, it has been classified as a Variant of Uncertain Significance.

Fulgent Genetics
Classification: Uncertain significance for Fanconi anemia complementation group P. Last evaluated: 2024-05-30. Review status: criteria provided, single submitter. Criteria: ACMG Guidelines, 2015. Collection method: clinical testing. Allele origin: germline.

NM_032444.4(SLX4):c.3409A>G (p.Arg1137Gly)

Gene: SLX4 (SLX4 structure-specific endonuclease subunit; minus strand). Cytogenetic location: 16p13.3.
Variant type: single nucleotide variant.
Coding change: c.3409A>G on transcript NM_032444.4 (MANE Select); coding-DNA position 3409, A replaced by G.
Protein change: p.Arg1137Gly; replaces arginine 1137 with glycine.
Molecular consequence: missense variant.
Genome position (GRCh38, 1-based): chr16:3,590,229, T>C on the plus strand (A>G on the coding strand, the complement: SLX4 is on the minus strand). VCF-style: chr16-3590229-T-C. GRCh37 (hg19) VCF-style: chr16-3640230-T-C.
Other names: short protein forms R1137G.
Identifiers: ClinVar variation 1524216 (VCV001524216.7), dbSNP rs761238767, ClinGen allele CA7865924.